The following is an entry in ClinVar:

NM_016247.4(IMPG2):c.1669T>C (p.Ser557Pro)

Gene: IMPG2 (interphotoreceptor matrix proteoglycan 2; minus strand). Cytogenetic location: 3q12.3.
Variant type: single nucleotide variant.
Coding change: c.1669T>C on transcript NM_016247.4 (MANE Select); coding-DNA position 1669, T replaced by C.
Protein change: p.Ser557Pro; replaces serine 557 with proline.
Molecular consequence: missense variant.
Genome position (GRCh38, 1-based): chr3:101,244,662, A>G on the plus strand (T>C on the coding strand, the complement: IMPG2 is on the minus strand). VCF-style: chr3-101244662-A-G. GRCh37 (hg19) VCF-style: chr3-100963506-A-G.
Other names: short protein forms S557P.
Identifiers: ClinVar variation 1061453 (VCV001061453.9), dbSNP rs1706456016, ClinGen allele CA353860370.
Genomic context (GRCh38, chr3:101,244,662, plus strand): 5'-TGACTTTGGAGGTCAAGGAGTCCAAGCCAAAAGGTATAGAAGAGGTCAGATATGGTGAAG[A>G]TGTTAAGGACACATCAGAGTCTTCCATGGATGGTATTGTTTCTTTTGGCACAGGTTGAGT-3'
Protein context (NP_057331.2, residues 547-567): SMEDSDVSLT[Ser557Pro]SPYLTSSIPF

ClinVar aggregate classification (germline): Uncertain significance (1 of 4 stars; one submission).

Allele frequency attached by ClinVar (database versions not stated): gnomAD exomes below 0.00001; gnomAD 0.00001.

Submission:

Labcorp Genetics (formerly Invitae), Labcorp
Classification: Uncertain significance. Last evaluated: 2020-09-24. Review status: criteria provided, single submitter. Criteria: Invitae Variant Classification Sherloc (09022015). Collection method: clinical testing. Allele origin: germline.
Comment: This variant has not been reported in the literature in individuals with IMPG2-related conditions. This sequence change replaces serine with proline at codon 557 of the IMPG2 protein (p.Ser557Pro). The serine residue is moderately conserved and there is a moderate physicochemical difference between serine and proline. This variant is not present in population databases (ExAC no frequency). Algorithms developed to predict the effect of missense changes on protein structure and function output the following: SIFT: "Tolerated"; PolyPhen-2: "Benign"; Align-GVGD: "Class C0". The proline amino acid residue is found in multiple mammalian species, suggesting that this missense change does not adversely affect protein function. These predictions have not been confirmed by published functional studies and their clinical significance is uncertain. In summary, the available evidence is currently insufficient to determine the role of this variant in disease. Therefore, it has been classified as a Variant of Uncertain Significance.